The following is an entry in ClinVar:

NM_004996.4(ABCC1):c.3336G>A (p.Thr1112=)

Gene: ABCC1 (ATP binding cassette subfamily C member 1 (ABCC1 blood group); plus strand). Cytogenetic location: 16p13.11.
Variant type: single nucleotide variant.
Coding change: c.3336G>A on transcript NM_004996.4 (MANE Select); coding-DNA position 3336, G replaced by A.
Protein change: p.Thr1112=; no amino-acid change (threonine 1112 retained).
Molecular consequence: synonymous variant.
Genome position (GRCh38, 1-based): chr16:16,115,022, G>A. VCF-style: chr16-16115022-G-A. GRCh37 (hg19) VCF-style: chr16-16208879-G-A.
Other names: c.3159G>A, p.Thr1053= (NM_019862.3).
Identifiers: ClinVar variation 2646259 (VCV002646259.24), dbSNP rs767072123, ClinGen allele CA7924607.
Genomic context (GRCh38, chr16:16,115,022, plus strand): 5'-GATGTTCATGGGCTCCCTGTTCAACGTCATTGGTGCCTGCATCGTTATCCTGCTGGCCAC[G>A]CCCATCGCCGCCATCATCATCCCGCCCCTTGGCCTCATCTACTTCTTCGTCCAGGTAAGG-3'
Protein context (NP_004987.2, residues 1102-1122): IGACIVILLA[Thr1112=]PIAAIIIPPL

ClinVar aggregate classification (germline): Likely benign (1 of 4 stars; one submission).

Allele frequency attached by ClinVar (database versions not stated): ExAC 0.00002; gnomAD 0.00003; TOPMed 0.00003.
gnomAD v4.1: 62 of 1,614,082 alleles (0.0038%); highest among the groups gnomAD compares: Middle Eastern, 0.033%; no homozygotes.

Submission:

CeGaT Center for Human Genetics Tuebingen
Classification: Likely benign. Last evaluated: 2022-05-01. Review status: criteria provided, single submitter. Criteria: CeGaT Center For Human Genetics Tuebingen Variant Classification Criteria Version 2. Collection method: clinical testing. Allele origin: germline. Affected: yes. Observed: 1 variant allele.
Comment: ABCC1: BP4, BP7